The following is an entry in ClinVar:

ClinVar aggregate classification (germline): Likely benign (1 of 4 stars; one submission).

Allele frequency attached by ClinVar (database versions not stated): gnomAD 0.00001; ExAC 0.00003; ESP Exome Variant Server 0.00015.

Submission:

CeGaT Center for Human Genetics Tuebingen
Classification: Likely benign. Last evaluated: 2022-04-01. Review status: criteria provided, single submitter. Criteria: CeGaT Center For Human Genetics Tuebingen Variant Classification Criteria Version 2. Collection method: clinical testing. Allele origin: germline. Affected: yes. Observed: 1 variant allele.
Comment: DUSP5: BP4, BP7

NM_004419.4(DUSP5):c.420C>T (p.Cys140=)

Gene: DUSP5 (dual specificity phosphatase 5; plus strand). Cytogenetic location: 10q25.2.
Variant type: single nucleotide variant.
Coding change: c.420C>T on transcript NM_004419.4 (MANE Select); coding-DNA position 420, C replaced by T.
Protein change: p.Cys140=; no amino-acid change (cysteine 140 retained).
Molecular consequence: synonymous variant.
Genome position (GRCh38, 1-based): chr10:110,502,761, C>T. VCF-style: chr10-110502761-C-T. GRCh37 (hg19) VCF-style: chr10-112262519-C-T.
Identifiers: ClinVar variation 2640824 (VCV002640824.24), dbSNP rs369839708, ClinGen allele CA5687385.